The following is an entry in ClinVar:

ClinVar aggregate classification (germline): Likely pathogenic (1 of 4 stars; one submission).

Conditions:
Autosomal recessive congenital ichthyosis 5 (ARCI5). Also called: Ichthyosis, nonlamellar and nonerythrodermic, congenital, autosomal recessive; ICHTHYOSIS CONGENITA III. Identifiers: Orphanet 313, MedGen C1858133, MONDO:0011485, OMIM 604777.

Submission:

Equipe Genetique des Anomalies du Developpement, Université de Bourgogne
Classification: Likely pathogenic for Autosomal recessive congenital ichthyosis 5. Last evaluated: 2020-07-22. Review status: criteria provided, single submitter. Criteria: ACMG Guidelines, 2015. Collection method: clinical testing. Allele origin: maternal. Inheritance: Autosomal recessive inheritance. Affected: yes.
Comment: This variant was observed in compound heterozygosity with variant NM_173483.3:c.466C>T

Literature cited by the submitters: PubMed 30011118.

NM_173483.4(CYP4F22):c.1177_1179del (p.Lys393del)

Gene: CYP4F22 (cytochrome P450 family 4 subfamily F member 22; plus strand). Cytogenetic location: 19p13.12.
Variant type: Deletion.
Coding change: c.1177_1179del on transcript NM_173483.4 (MANE Select); coding-DNA positions 1177 to 1179, 3 bases deleted (AAG; older notation c.1177_1179delAAG).
Protein change: p.Lys393del; deletes lysine 393.
Molecular consequence: inframe deletion.
Genome position (GRCh38, 1-based): chr19:15,548,148-15,548,150, AAG deleted. VCF-style (leftmost placement, unchanged base first): chr19-15548147-TAAG-T. GRCh37 (hg19) VCF-style: chr19-15658958-TAAG-T.
Other names: c.1177_1179del (NM_173483.3); short protein forms K393del.
Identifiers: ClinVar variation 982566 (VCV000982566.2), dbSNP rs1971554136, ClinGen allele CA1139666334.